The following is an entry in ClinVar:

ClinVar aggregate classification (germline): Uncertain significance (1 of 4 stars; one submission).

Submission:

Labcorp Genetics (formerly Invitae), Labcorp
Classification: Uncertain significance. Last evaluated: 2022-07-25. Review status: criteria provided, single submitter. Criteria: Invitae Variant Classification Sherloc (09022015). Collection method: clinical testing. Allele origin: germline.
Comment: This variant has not been reported in the literature in individuals affected with LRP2-related conditions. This variant is not present in population databases (gnomAD no frequency). This sequence change replaces isoleucine, which is neutral and non-polar, with valine, which is neutral and non-polar, at codon 1854 of the LRP2 protein (p.Ile1854Val). Advanced modeling of protein sequence and biophysical properties (such as structural, functional, and spatial information, amino acid conservation, physicochemical variation, residue mobility, and thermodynamic stability) performed at Invitae indicates that this missense variant is not expected to disrupt LRP2 protein function. In summary, the available evidence is currently insufficient to determine the role of this variant in disease. Therefore, it has been classified as a Variant of Uncertain Significance.

NM_004525.3(LRP2):c.5560A>G (p.Ile1854Val)

Gene: LRP2 (LDL receptor related protein 2; minus strand). Cytogenetic location: 2q31.1.
Variant type: single nucleotide variant.
Coding change: c.5560A>G on transcript NM_004525.3 (MANE Select); coding-DNA position 5560, A replaced by G.
Protein change: p.Ile1854Val; replaces isoleucine 1854 with valine.
Molecular consequence: missense variant.
Genome position (GRCh38, 1-based): chr2:169,220,542, T>C on the plus strand (A>G on the coding strand, the complement: LRP2 is on the minus strand). VCF-style: chr2-169220542-T-C. GRCh37 (hg19) VCF-style: chr2-170077052-T-C.
Other names: short protein forms I1854V.
Identifiers: ClinVar variation 1965329 (VCV001965329.5), dbSNP rs2545840585, ClinGen allele CA349138116.